The following is an entry in ClinVar:

NM_138691.3(TMC1):c.912_916del (p.Gly305fs)

Gene: TMC1 (transmembrane channel like 1; plus strand). Cytogenetic location: 9q21.13.
Variant type: Deletion.
Coding change: c.912_916del on transcript NM_138691.3 (MANE Select); coding-DNA positions 912 to 916, 5 bases deleted (AGGTG; older notation c.912_916delAGGTG).
Protein change: p.Gly305fs; shifts the reading frame from glycine 305.
Molecular consequence: frameshift variant.
Genome position (GRCh38, 1-based): chr9:72,788,366-72,788,370, AGGTG deleted; deleting any 5 consecutive bases within chr9:72,788,365-72,788,370 gives the same sequence; the c. name uses the placement nearest the transcript's 3' end. VCF-style (leftmost placement, unchanged base first): chr9-72788364-GGAGGT-G. GRCh37 (hg19) VCF-style: chr9-75403280-GGAGGT-G.
Other names: short protein forms G305fs.
Identifiers: ClinVar variation 3601922 (VCV003601922.1).
Genomic context (GRCh38, chr9:72,788,364, plus strand): 5'-TTCTGGCTGCTGGGTTAAACTTCCTGTTTTTGCAGAATGACCAAAAACATTGGTGATGAT[GGAGGT>G]GGAGATGACAACACTTTCAATTTCAGCTGGAAGGTCTTTACCAGCTGGGACTACCTGATC-3'

ClinVar aggregate classification (germline): Likely pathogenic (1 of 4 stars; one submission).

Conditions:
Autosomal recessive nonsyndromic hearing loss 7. Also called: DEAFNESS, AUTOSOMAL RECESSIVE 11. Identifiers: Orphanet 90636, MedGen C1832978, MONDO:0010967, OMIM 600974.

Submission:

Institute of Rare Diseases, West China Hospital, Sichuan University
Classification: Likely pathogenic for Autosomal recessive nonsyndromic hearing loss 7. Last evaluated: 2025-01-09. Review status: criteria provided, single submitter. Criteria: ClinGen HL ACMG Specifications v1. Collection method: research. Allele origin: germline. Affected: yes.
Comment: PVS1;PM2_Supporting